The following is an entry in ClinVar:

ClinVar aggregate classification (germline): Conflicting classifications of pathogenicity. Review status: criteria provided, conflicting classifications (1 of 4 stars). 2 submissions from 2 submitters: Likely pathogenic (1); Uncertain significance (1). Last evaluated 2026-02-04.

Submissions (2):

Women's Health and Genetics/Laboratory Corporation of America, LabCorp
Classification: Uncertain significance. Last evaluated: 2026-02-04. Review status: criteria provided, single submitter. Criteria: LabCorp Variant Classification Summary - May 2015. Collection method: clinical testing. Allele origin: germline.
Comment: Variant summary: ADCY5 c.3043G>T (p.Asp1015Tyr) results in a non-conservative amino acid change in the encoded protein sequence. Algorithms developed to predict the effect of missense changes on protein structure and function all suggest that this variant is likely to be disruptive. The variant was absent in 250876 control chromosomes. The available data on variant occurrences in the general population are insufficient to allow any conclusion about variant significance. To our knowledge, no occurrence of c.3043G>T in individuals affected with ADCY5-related conditions and no experimental evidence demonstrating its impact on protein function have been reported. No submitters have cited clinical-significance assessments for this variant to ClinVar. Based on the evidence outlined above, the variant was classified as uncertain significance.

Labcorp Genetics (formerly Invitae), Labcorp
Classification: Likely pathogenic. Last evaluated: 2025-11-10. Review status: criteria provided, single submitter. Criteria: Invitae Variant Classification Sherloc (09022015). Collection method: clinical testing. Allele origin: germline.
Comment: This sequence change replaces aspartic acid, which is acidic and polar, with tyrosine, which is neutral and polar, at codon 1015 of the ADCY5 protein (p.Asp1015Tyr). This variant is not present in population databases (gnomAD no frequency). This missense change has been observed in individual(s) with clinical features of primary dystonia (internal data). Invitae Evidence Modeling of protein sequence and biophysical properties (such as structural, functional, and spatial information, amino acid conservation, physicochemical variation, residue mobility, and thermodynamic stability) indicates that this missense variant is expected to disrupt ADCY5 protein function with a positive predictive value of 95%. This variant disrupts the p.Asp1015 amino acid residue in ADCY5. Other variant(s) that disrupt this residue have been observed in individuals with ADCY5-related conditions (PMID: 30800710; internal data), which suggests that this may be a clinically significant amino acid residue. In summary, the currently available evidence indicates that the variant is pathogenic, but additional data are needed to prove that conclusively. Therefore, this variant has been classified as Likely Pathogenic.

Literature cited by the submitters: PubMed 30800710 (cited by Labcorp Genetics (formerly Invitae), Labcorp).

NM_183357.3(ADCY5):c.3043G>T (p.Asp1015Tyr)

Gene: ADCY5 (adenylate cyclase 5; minus strand). Cytogenetic location: 3q21.1.
Variant type: single nucleotide variant.
Coding change: c.3043G>T on transcript NM_183357.3 (MANE Select); coding-DNA position 3043, G replaced by T.
Protein change: p.Asp1015Tyr; replaces aspartic acid 1015 with tyrosine.
Molecular consequence: missense variant.
Genome position (GRCh38, 1-based): chr3:123,296,104, C>A on the plus strand (G>T on the coding strand, the complement: ADCY5 is on the minus strand). VCF-style: chr3-123296104-C-A. GRCh37 (hg19) VCF-style: chr3-123014951-C-A.
Other names: c.1993G>T, p.Asp665Tyr (NM_001199642.1); c.3118G>T, p.Asp1040Tyr (NM_001378259.1); short protein forms D1015Y, D1040Y, D665Y.
Identifiers: ClinVar variation 4801752 (VCV004801752.2).
Genomic context (GRCh38, chr3:123,296,104, plus strand): 5'-AAATGCCTCCCTCCCCAGGTCCAGCCCCAGGGCCACCCACCTGCAGTTTCCAGAGGAAGT[C>A]GAGGCGGGCAGTGGACTCCACCTGCTGGGCGTGCAGGTACAGGGCCAGCACAAAGACTGA-3'
Protein context (NP_899200.1, residues 1005-1025): AQQVESTARL[Asp1015Tyr]FLWKLQATEE